The following is an entry in ClinVar:

NM_004863.4(SPTLC2):c.1439+4C>T

Gene: SPTLC2 (serine palmitoyltransferase long chain base subunit 2; minus strand). Cytogenetic location: 14q24.3.
Variant type: single nucleotide variant.
Coding change: c.1439+4C>T on transcript NM_004863.4 (MANE Select); 4 bases into the intron after coding-DNA position 1439, C replaced by T.
Molecular consequence: intron variant.
Genome position (GRCh38, 1-based): chr14:77,521,442, G>A on the plus strand (C>T on the coding strand, the complement: SPTLC2 is on the minus strand). VCF-style: chr14-77521442-G-A. GRCh37 (hg19) VCF-style: chr14-77987785-G-A.
Identifiers: ClinVar variation 642941 (VCV000642941.10), dbSNP rs1035407081, ClinGen allele CA263826908.

ClinVar aggregate classification (germline): Conflicting classifications of pathogenicity. Review status: criteria provided, conflicting classifications (1 of 4 stars). 3 submissions from 3 submitters: Uncertain significance (2); Likely benign (1). Last evaluated 2024-11-28.

Conditions:
Neuropathy, hereditary sensory and autonomic, type 1C. Also called: HSAN IC; HSN IC. Identifiers: Orphanet 36386, MedGen C3150896, MONDO:0013337, OMIM 613640.

Allele frequency attached by ClinVar (database versions not stated): gnomAD exomes below 0.00001 and 0.00001; gnomAD 0.00001; TOPMed 0.00001.
gnomAD v4.1: 17 of 1,614,004 alleles (0.0011%); highest among the groups gnomAD compares: East Asian, 0.0022%; no homozygotes.

Submissions (3):

Labcorp Genetics (formerly Invitae), Labcorp
Classification: Uncertain significance for Neuropathy, hereditary sensory and autonomic, type 1C. Last evaluated: 2024-11-28. Review status: criteria provided, single submitter. Criteria: Invitae Variant Classification Sherloc (09022015). Collection method: clinical testing. Allele origin: germline.
Comment: This sequence change falls in intron 10 of the SPTLC2 gene. It does not directly change the encoded amino acid sequence of the SPTLC2 protein. It affects a nucleotide within the consensus splice site. This variant is present in population databases (no rsID available, gnomAD 0.006%). This variant has not been reported in the literature in individuals affected with SPTLC2-related conditions. ClinVar contains an entry for this variant (Variation ID: 642941). Variants that disrupt the consensus splice site are a relatively common cause of aberrant splicing (PMID: 17576681, 9536098). Algorithms developed to predict the effect of sequence changes on RNA splicing suggest that this variant is not likely to affect RNA splicing. In summary, the available evidence is currently insufficient to determine the role of this variant in disease. Therefore, it has been classified as a Variant of Uncertain Significance.

Blueprint Genetics
Classification: Likely benign. Last evaluated: 2023-06-28. Review status: criteria provided, single submitter. Criteria: ACMG Guidelines, 2015. Collection method: clinical testing. Allele origin: germline.

CENTOGENE GmbH and LLC - Guiding Precision Medicine
Classification: Uncertain significance for Neuropathy, hereditary sensory and autonomic, type 1C. Last evaluated: 2020-08-31. Review status: criteria provided, single submitter. Criteria: ACMG Guidelines, 2015. Collection method: clinical testing. Allele origin: germline. Affected: yes.

Literature cited by the submitters: PubMed 17576681 (cited by Labcorp Genetics (formerly Invitae), Labcorp); PubMed 9536098 (cited by Labcorp Genetics (formerly Invitae), Labcorp).